The following is an entry in ClinVar:

ClinVar aggregate classification (germline): Uncertain significance (1 of 4 stars; one submission).

Submission:

GeneDx
Classification: Uncertain significance. Last evaluated: 2024-02-08. Review status: criteria provided, single submitter. Criteria: GeneDx Variant Classification Process June 2021. Collection method: clinical testing. Allele origin: germline. Affected: yes.
Comment: Not observed at significant frequency in large population cohorts (gnomAD); In silico analysis supports that this missense variant has a deleterious effect on protein structure/function; Has not been previously published as pathogenic or benign to our knowledge

NM_152564.5(VPS13B):c.6710T>C (p.Leu2237Pro)

Gene: VPS13B (vacuolar protein sorting 13 homolog B; plus strand). Cytogenetic location: 8q22.2.
Variant type: single nucleotide variant.
Coding change: c.6710T>C on transcript NM_152564.5 (MANE Select); coding-DNA position 6710, T replaced by C.
Protein change: p.Leu2237Pro; replaces leucine 2237 with proline.
Molecular consequence: missense variant.
Genome position (GRCh38, 1-based): chr8:99,720,397, T>C. VCF-style: chr8-99720397-T-C. GRCh37 (hg19) VCF-style: chr8-100732625-T-C.
Other names: c.6785T>C, p.Leu2262Pro (NM_017890.5); short protein forms L2237P, L2262P.
Identifiers: ClinVar variation 3368775 (VCV003368775.1).